The following is an entry in ClinVar:

ClinVar aggregate classification (germline): Uncertain significance (1 of 4 stars; one submission).

Conditions:
Fanconi anemia (FA). Also called: Fanconi's anemia. Identifiers: Orphanet 84, MedGen C0015625, MeSH D005199, MONDO:0019391.

Allele frequency attached by ClinVar (database versions not stated): TOPMed below 0.00001; ExAC 0.00002; gnomAD exomes 0.00003; ESP Exome Variant Server 0.00008.
gnomAD v4.1: 37 of 1,612,714 alleles (0.0023%); highest among the groups gnomAD compares: Non-Finnish European, 0.0031%; no homozygotes.

Submission:

Labcorp Genetics (formerly Invitae), Labcorp
Classification: Uncertain significance for Fanconi anemia. Last evaluated: 2021-09-24. Review status: criteria provided, single submitter. Criteria: Invitae Variant Classification Sherloc (09022015). Collection method: clinical testing. Allele origin: germline.
Comment: This sequence change replaces alanine with proline at codon 627 of the FANCA protein (p.Ala627Pro). The alanine residue is moderately conserved and there is a small physicochemical difference between alanine and proline. This variant is present in population databases (rs139203712, ExAC 0.004%). This variant has not been reported in the literature in individuals with FANCA-related conditions. Advanced modeling of protein sequence and biophysical properties (such as structural, functional, and spatial information, amino acid conservation, physicochemical variation, residue mobility, and thermodynamic stability) performed at Invitae indicates that this missense variant is not expected to disrupt FANCA protein function. In summary, the available evidence is currently insufficient to determine the role of this variant in disease. Therefore, it has been classified as a Variant of Uncertain Significance.

NM_000135.4(FANCA):c.1879G>C (p.Ala627Pro)

Gene: FANCA (FA complementation group A; minus strand). Cytogenetic location: 16q24.3.
Variant type: single nucleotide variant.
Coding change: c.1879G>C on transcript NM_000135.4 (MANE Select); coding-DNA position 1879, G replaced by C.
Protein change: p.Ala627Pro; replaces alanine 627 with proline.
Molecular consequence: missense variant.
Genome position (GRCh38, 1-based): chr16:89,775,763, C>G on the plus strand (G>C on the coding strand, the complement: FANCA is on the minus strand). VCF-style: chr16-89775763-C-G. GRCh37 (hg19) VCF-style: chr16-89842171-C-G.
Other names: c.1879G>C, p.Ala627Pro (NM_001286167.3); short protein forms A627P.
Identifiers: ClinVar variation 1983320 (VCV001983320.1), dbSNP rs139203712, ClinGen allele CA8251991.